The following is an entry in ClinVar:

NM_000169.3(GLA):c.836A>G (p.Gln279Arg)

Genes: GLA (galactosidase alpha; minus strand), RPL36A-HNRNPH2 (RPL36A-HNRNPH2 readthrough; plus strand). Cytogenetic location: Xq22.1.
Variant type: single nucleotide variant.
Coding change: c.836A>G on transcript NM_000169.3 (MANE Select); coding-DNA position 836, A replaced by G.
Protein change: p.Gln279Arg; replaces glutamine 279 with arginine.
Molecular consequence: missense variant. On other transcripts: non-coding transcript variant (3), intron variant (2).
Genome position (GRCh38, 1-based): chrX:101,398,533, T>C on the plus strand (A>G on the coding strand, the complement: GLA is on the minus strand). VCF-style: chrX-101398533-T-C. GRCh37 (hg19) VCF-style: chrX-100653521-T-C.
Other names: c.959A>G, p.Gln320Arg (NM_001406747.1); c.836A>G, p.Gln279Arg (NM_001406748.1); c.300+3076T>C (NM_001199973.2); c.177+6711T>C (NM_001199974.2); short protein forms Q279R, Q320R.
Identifiers: ClinVar variation 3896553 (VCV003896553.4), dbSNP rs869312433.
Genomic context (GRCh38, chrX:101,398,533, plus strand): 5'-TCATTAGACATGAATAAAGGAGCAGCCATGATAGCCCAGAGGGCCATCTGAGTTACTTGC[T>C]GATTCCAGCTGAGGCCAAAGTTGCCAATCACTAACTGAGAAAAAGAATGAAATAATTCAA-3'
Protein context (NP_000160.1, residues 269-289): VIGNFGLSWN[Gln279Arg]QVTQMALWAI

ClinVar aggregate classification (germline): Pathogenic. Review status: criteria provided, multiple submitters, no conflicts (2 of 4 stars). 2 submissions from 2 submitters: Pathogenic (2). Last evaluated 2026-09-08.

Conditions:
Fabry disease. Also called: Fabry's disease; ALPHA-GALACTOSIDASE A DEFICIENCY; ANDERSON-FABRY DISEASE; CERAMIDE TRIHEXOSIDASE DEFICIENCY; GLA DEFICIENCY; HEREDITARY DYSTOPIC LIPIDOSIS. Identifiers: Orphanet 324, MedGen C0002986, MONDO:0010526, OMIM 301500, HP:0001071. Disease mechanism: Fabry disease is due to inactivating mutations in the X-linked GLA gene resulting in deficiency of the enzyme Alpha Galactosidase-A., loss of function.

Submissions (2):

Genomenon, Inc
Classification: Pathogenic for Fabry disease. Last evaluated: 2026-09-08. Review status: criteria provided, single submitter. Criteria: Genomenon Sequence Variant Interpretation Standards - Updated. Collection method: curation. Allele origin: germline. Affected: yes.
Comment: GLA p.Gln279Arg (c.836A>G) is a missense variant that changes the amino acid at codon 279 from Glutamine to Arginine. This variant has been observed in at least one proband with clinical features consistent with Fabry disease (PMID:37940383;29631605;38892211;36383556;37685755;36165155;39182239;12938095). The variant was found to segregate with disease in at least one affected family (PMID:37685755;39182239). At least one functional study has demonstrated a substantial alteration in protein function relative to the wild-type (PMID:27657681). It is absent or not present at a significant frequency in gnomAD. In silico models predict that this variant is possibly or probably damaging. In conclusion, we classify GLA p.Gln279Arg (c.836A>G) as a pathogenic variant.

Women's Health and Genetics/Laboratory Corporation of America, LabCorp
Classification: Pathogenic for Fabry disease. Last evaluated: 2025-04-02. Review status: criteria provided, single submitter. Criteria: LabCorp Variant Classification Summary - May 2015. Collection method: clinical testing. Allele origin: germline.
Comment: Variant summary: GLA c.836A>G (p.Gln279Arg) results in a conservative amino acid change in the encoded protein sequence. Four of five in-silico tools predict a damaging effect of the variant on protein function. The variant was absent in 183402 control chromosomes. c.836A>G has been reported in the literature in multiple individuals affected with Fabry Disease (examples: Rodriguez-Mari_2003, Vieitez_2018, Besada_2021). These data indicate that the variant is very likely to be associated with disease. A different variant affecting the same codon has been classified as pathogenic by our lab (c.835C>G, p.Gln279Glu), supporting the critical relevance of codon 279 to GLA protein function.The following publications have been ascertained in the context of this evaluation (PMID: 29631605, 12938095, 34944500). No submitters have cited clinical-significance assessments for this variant to ClinVar. Based on the evidence outlined above, the variant was classified as pathogenic.

Literature cited by the submitters: PubMed 37940383 (cited by Genomenon, Inc); PubMed 29631605 (cited by Genomenon, Inc and Women's Health and Genetics/Laboratory Corporation of America, LabCorp); PubMed 38892211 (cited by Genomenon, Inc); PubMed 36383556 (cited by Genomenon, Inc); PubMed 37685755 (cited by Genomenon, Inc); PubMed 36165155 (cited by Genomenon, Inc); PubMed 39182239 (cited by Genomenon, Inc); PubMed 12938095 (cited by Genomenon, Inc and Women's Health and Genetics/Laboratory Corporation of America, LabCorp); PubMed 27657681 (cited by Genomenon, Inc); PubMed 34944500 (cited by Women's Health and Genetics/Laboratory Corporation of America, LabCorp).